The following is an entry in ClinVar:

ClinVar aggregate classification (germline): Conflicting classifications of pathogenicity. Review status: criteria provided, conflicting classifications (1 of 4 stars). 2 submissions from 2 submitters: Uncertain significance (1); Likely benign (1). Last evaluated 2025-08-18.

Conditions:
Cardiovascular phenotype. Identifiers: MedGen CN230736.
Noonan syndrome 9 (NS9). Identifiers: Orphanet 648, MedGen C4225282, MONDO:0014691, OMIM 616559.

Allele frequency attached by ClinVar (database versions not stated): gnomAD 0.00001; ExAC 0.00002; TOPMed 0.00002.
gnomAD v4.1: 18 of 1,613,952 alleles (0.0011%); highest among the groups gnomAD compares: African/African-American, 0.0027%; no homozygotes.

Submissions (2):

Labcorp Genetics (formerly Invitae), Labcorp
Classification: Likely benign for Noonan syndrome 9. Last evaluated: 2025-08-18. Review status: criteria provided, single submitter. Criteria: Invitae Variant Classification Sherloc (09022015). Collection method: clinical testing. Allele origin: germline.

Ambry Genetics
Classification: Uncertain significance for Cardiovascular phenotype. Last evaluated: 2023-01-22. Review status: criteria provided, single submitter. Criteria: Ambry Variant Classification Scheme 2023. Collection method: clinical testing. Allele origin: germline.
Comment: The p.R1312Q variant (also known as c.3935G>A), located in coding exon 23 of the SOS2 gene, results from a G to A substitution at nucleotide position 3935. The arginine at codon 1312 is replaced by glutamine, an amino acid with highly similar properties. This amino acid position is conserved. In addition, the in silico prediction for this alteration is inconclusive. Since supporting evidence is limited at this time, the clinical significance of this alteration remains unclear.

NM_006939.4(SOS2):c.3935G>A (p.Arg1312Gln)

Gene: SOS2 (SOS Ras/Rho guanine nucleotide exchange factor 2; minus strand). Cytogenetic location: 14q21.3.
Variant type: single nucleotide variant.
Coding change: c.3935G>A on transcript NM_006939.4 (MANE Select); coding-DNA position 3935, G replaced by A.
Protein change: p.Arg1312Gln; replaces arginine 1312 with glutamine.
Molecular consequence: missense variant.
Genome position (GRCh38, 1-based): chr14:50,118,408, C>T on the plus strand (G>A on the coding strand, the complement: SOS2 is on the minus strand). VCF-style: chr14-50118408-C-T. GRCh37 (hg19) VCF-style: chr14-50585126-C-T.
Other names: c.3836G>A, p.Arg1279Gln (NM_001411020.1); short protein forms R1279Q, R1312Q.
Identifiers: ClinVar variation 2060710 (VCV002060710.6), dbSNP rs772673873, ClinGen allele CA7176688.